The following is an entry in ClinVar:

ClinVar aggregate classification (germline): Likely pathogenic (0 of 4 stars; one submission).

Conditions:
Pyruvate dehydrogenase E1-alpha deficiency (PDHAD). Also called: ATAXIA, INTERMITTENT, WITH PYRUVATE DEHYDROGENASE DEFICIENCY; ATAXIA WITH LACTIC ACIDOSIS I; ATAXIA, INTERMITTENT, WITH ABNORMAL PYRUVATE METABOLISM; Ataxia, intermittent, with pyruvate dehydrogenase, or decarboxylase, deficiency. Identifiers: Orphanet 79243, MedGen C1839413, MONDO:0010717, OMIM 312170.

Submission:

PDHA1 Study Group, University Children’s Hospital, Paracelsus Medical University
Classification: Likely pathogenic for Pyruvate dehydrogenase E1-alpha deficiency. Last evaluated: 2024-10-15. Review status: no assertion criteria provided. Collection method: research. Allele origin: germline. Affected: yes. Observed: 1 variant allele.
Comment: The NM_000284.3:c.1057G>C (p.Ala353Pro) substitution is a missense variant in PDHA1 gene. The variant has been reported in 1 published case (PMIDs: 9430319). Last literature search: July 12, 2024. This variant is absent or extremely rare in population-based cohorts in the Genome Aggregation Database (gnomAD). Individuals harboring this variant presented with clinical features compatible with PDHA1-related PDHc deficiency. In summary, this variant meets criteria to be classified as likely pathogenic (LP) for PDHA1-related PDHc deficiency based on the ACMG/AMP criteria applied: PM1, PM2, PM7, PP3 (last assessment October 15, 2024).

Literature cited by the submitters: PubMed 9430319; DOI 10.1093/brain/awaf430.

NM_000284.4(PDHA1):c.1057G>C (p.Ala353Pro)

Gene: PDHA1 (pyruvate dehydrogenase E1 subunit alpha 1; plus strand). Cytogenetic location: Xp22.12.
Variant type: single nucleotide variant.
Coding change: c.1057G>C on transcript NM_000284.4 (MANE Select); coding-DNA position 1057, G replaced by C.
Protein change: p.Ala353Pro; replaces alanine 353 with proline.
Molecular consequence: missense variant.
Genome position (GRCh38, 1-based): chrX:19,359,537, G>C. VCF-style: chrX-19359537-G-C. GRCh37 (hg19) VCF-style: chrX-19377655-G-C.
Other names: c.1171G>C, p.Ala391Pro (NM_001173454.2); c.1078G>C, p.Ala360Pro (NM_001173455.2); c.964G>C, p.Ala322Pro (NM_001173456.2); short protein forms A322P, A353P, A360P, A391P.
Identifiers: ClinVar variation 4070435 (VCV004070435.1).